The following is an entry in ClinVar:

ClinVar aggregate classification (germline): Uncertain significance. Review status: criteria provided, multiple submitters, no conflicts (2 of 4 stars). 2 submissions from 2 submitters: Uncertain significance (2). Last evaluated 2024-01-04.

Conditions:
Multiple endocrine neoplasia type 4. Also called: MULTIPLE ENDOCRINE NEOPLASIA, TYPE IV. Identifiers: Orphanet 276152, MedGen C1970712, MONDO:0012552, OMIM 610755.
Hereditary cancer-predisposing syndrome. Also called: Hereditary neoplastic syndrome; Tumor predisposition; Neoplastic Syndromes, Hereditary; Hereditary Cancer Syndrome. Identifiers: Orphanet 140162, MedGen C0027672, MeSH D009386, MONDO:0015356.

Allele frequency attached by ClinVar (database versions not stated): gnomAD 0.00001.

Submissions (2):

Labcorp Genetics (formerly Invitae), Labcorp
Classification: Uncertain significance for Multiple endocrine neoplasia type 4. Last evaluated: 2024-01-04. Review status: criteria provided, single submitter. Criteria: Invitae Variant Classification Sherloc (09022015). Collection method: clinical testing. Allele origin: germline.
Comment: This sequence change replaces arginine, which is basic and polar, with cysteine, which is neutral and slightly polar, at codon 113 of the CDKN1B protein (p.Arg113Cys). This variant is not present in population databases (gnomAD no frequency). This variant has not been reported in the literature in individuals affected with CDKN1B-related conditions. ClinVar contains an entry for this variant (Variation ID: 859677). An algorithm developed to predict the effect of missense changes on protein structure and function (PolyPhen-2) suggests that this variant is likely to be tolerated. In summary, the available evidence is currently insufficient to determine the role of this variant in disease. Therefore, it has been classified as a Variant of Uncertain Significance.

Ambry Genetics
Classification: Uncertain significance for Hereditary cancer-predisposing syndrome. Last evaluated: 2022-10-28. Review status: criteria provided, single submitter. Criteria: Ambry Variant Classification Scheme 2023. Collection method: clinical testing. Allele origin: germline.
Comment: The p.R113C variant (also known as c.337C>T), located in coding exon 1 of the CDKN1B gene, results from a C to T substitution at nucleotide position 337. The arginine at codon 113 is replaced by cysteine, an amino acid with highly dissimilar properties. This amino acid position is conserved. In addition, this alteration is predicted to be tolerated by in silico analysis. Since supporting evidence is limited at this time, the clinical significance of this alteration remains unclear.

NM_004064.5(CDKN1B):c.337C>T (p.Arg113Cys)

Gene: CDKN1B (cyclin dependent kinase inhibitor 1B; plus strand). Cytogenetic location: 12p13.1.
Variant type: single nucleotide variant.
Coding change: c.337C>T on transcript NM_004064.5 (MANE Select); coding-DNA position 337, C replaced by T.
Protein change: p.Arg113Cys; replaces arginine 113 with cysteine.
Molecular consequence: missense variant.
Genome position (GRCh38, 1-based): chr12:12,718,176, C>T. VCF-style: chr12-12718176-C-T. GRCh37 (hg19) VCF-style: chr12-12871110-C-T.
Other names: short protein forms R113C.
Identifiers: ClinVar variation 859677 (VCV000859677.10), dbSNP rs1946495615, ClinGen allele CA383970287.